The following is an entry in ClinVar:

NM_000038.6(APC):c.6259G>C (p.Asp2087His)

Gene: APC (APC regulator of Wnt signaling pathway; plus strand). Cytogenetic location: 5q22.2.
Variant type: single nucleotide variant.
Coding change: c.6259G>C on transcript NM_000038.6 (MANE Select); coding-DNA position 6259, G replaced by C.
Protein change: p.Asp2087His; replaces aspartic acid 2087 with histidine.
Molecular consequence: missense variant.
Genome position (GRCh38, 1-based): chr5:112,841,853, G>C. VCF-style: chr5-112841853-G-C. GRCh37 (hg19) VCF-style: chr5-112177550-G-C.
Other names: c.6259G>C, p.Asp2087His (NM_001127510.3, NM_001354895.2); c.6205G>C, p.Asp2069His (NM_001127511.3); c.6313G>C, p.Asp2105His (NM_001354896.2); c.6289G>C, p.Asp2097His (NM_001354897.2); c.6184G>C, p.Asp2062His (NM_001354898.2); c.6175G>C, p.Asp2059His (NM_001354899.2); c.6136G>C, p.Asp2046His (NM_001354900.2); c.6082G>C, p.Asp2028His (NM_001354901.2); and 5 more; short protein forms D1927H, D1996H, D2028H, D2046H, D2059H, D2097H, D1986H, D2062H.
Identifiers: ClinVar variation 921528 (VCV000921528.18), dbSNP rs1766174382, ClinGen allele CA16035035.

ClinVar aggregate classification (germline): Uncertain significance. Review status: criteria provided, multiple submitters, no conflicts (2 of 4 stars). 4 submissions from 4 submitters: Uncertain significance (4). Last evaluated 2024-03-06.

Conditions:
Hereditary cancer-predisposing syndrome. Also called: Neoplastic Syndromes, Hereditary; Tumor predisposition; Hereditary Cancer Syndrome; Hereditary neoplastic syndrome. Identifiers: Orphanet 140162, MedGen C0027672, MeSH D009386, MONDO:0015356.
Familial adenomatous polyposis 1 (FAP1). Also called: FAMILIAL ADENOMATOUS POLYPOSIS 1, ATTENUATED; POLYPOSIS, ADENOMATOUS INTESTINAL. Identifiers: MedGen C2713442, MONDO:0021056, OMIM 175100. Disease mechanism: loss of function.

gnomAD v4.1: 1 of 1,613,528 alleles (0.000062%); highest among the groups gnomAD compares: Non-Finnish European, 0.000085%; no homozygotes.

Submissions (4):

Color Diagnostics, LLC DBA Color Health
Classification: Uncertain significance for Hereditary cancer-predisposing syndrome. Last evaluated: 2024-03-06. Review status: criteria provided, single submitter. Criteria: ACMG Guidelines, 2015. Collection method: clinical testing. Allele origin: germline.
Comment: This missense variant replaces aspartic acid with histidine at codon 2087 of the APC protein. Computational prediction tool suggests that this variant may not impact protein structure and function (internally defined REVEL score threshold <=0.5, PMID: 27666373). Splice site prediction tools suggest that this variant may not impact RNA splicing. To our knowledge, functional studies have not been performed for this variant. This variant has not been reported in individuals affected with hereditary cancer in the literature. This variant has not been identified in the general population by the Genome Aggregation Database (gnomAD). The available evidence is insufficient to determine the role of this variant in disease conclusively. Therefore, this variant is classified as a Variant of Uncertain Significance.

Baylor Genetics
Classification: Uncertain significance for Familial adenomatous polyposis 1. Last evaluated: 2023-08-21. Review status: criteria provided, single submitter. Criteria: ACMG Guidelines, 2015. Collection method: clinical testing. Allele origin: unknown.

Ambry Genetics
Classification: Uncertain significance for Hereditary cancer-predisposing syndrome. Last evaluated: 2022-06-02. Review status: criteria provided, single submitter. Criteria: Ambry Variant Classification Scheme 2023. Collection method: clinical testing. Allele origin: germline.
Comment: The p.D2087H variant (also known as c.6259G>C), located in coding exon 15 of the APC gene, results from a G to C substitution at nucleotide position 6259. The aspartic acid at codon 2087 is replaced by histidine, an amino acid with similar properties. This amino acid position is conserved. In addition, in silico predictors for this gene do not accurately predict pathogenicity. Since supporting evidence is limited at this time, the clinical significance of this alteration remains unclear.

Labcorp Genetics (formerly Invitae), Labcorp
Classification: Uncertain significance for Familial adenomatous polyposis 1. Last evaluated: 2019-07-08. Review status: criteria provided, single submitter. Criteria: Invitae Variant Classification Sherloc (09022015). Collection method: clinical testing. Allele origin: germline.
Comment: Algorithms developed to predict the effect of missense changes on protein structure and function are either unavailable or do not agree on the potential impact of this missense change (SIFT: "Deleterious"; PolyPhen-2: "Possibly Damaging"; Align-GVGD: "Class C0"). In summary, the available evidence is currently insufficient to determine the role of this variant in disease. Therefore, it has been classified as a Variant of Uncertain Significance. This variant has not been reported in the literature in individuals with APC-related conditions. This sequence change replaces aspartic acid with histidine at codon 2087 of the APC protein (p.Asp2087His). The aspartic acid residue is highly conserved and there is a moderate physicochemical difference between aspartic acid and histidine. This variant is not present in population databases (ExAC no frequency).